The following is an entry in ClinVar:

NM_000548.5(TSC2):c.5066A>G (p.Lys1689Arg)

Gene: TSC2 (TSC complex subunit 2; plus strand). Cytogenetic location: 16p13.3.
Variant type: single nucleotide variant.
Coding change: c.5066A>G on transcript NM_000548.5 (MANE Select); coding-DNA position 5066, A replaced by G.
Protein change: p.Lys1689Arg; replaces lysine 1689 with arginine.
Molecular consequence: missense variant.
Genome position (GRCh38, 1-based): chr16:2,087,939, A>G. VCF-style: chr16-2087939-A-G. GRCh37 (hg19) VCF-style: chr16-2137940-A-G.
Other names: c.4853A>G, p.Lys1618Arg (NM_001406673.1); c.4850A>G, p.Lys1617Arg (NM_001406675.1); c.4847A>G, p.Lys1616Arg (NM_001406676.1); c.4808A>G, p.Lys1603Arg (NM_001406677.1); c.4754A>G, p.Lys1585Arg (NM_001406678.1); c.4718A>G, p.Lys1573Arg (NM_001406679.1); c.4466A>G, p.Lys1489Arg (NM_001406680.1); c.4406A>G, p.Lys1469Arg (NM_001406681.1); and 26 more; short protein forms K1088R, K1174R, K1175R, K1197R, K1198R, K1218R, K1422R, K1423R.
Identifiers: ClinVar variation 1721908 (VCV001721908.5), dbSNP rs2151614767, ClinGen allele CA394311712.

ClinVar aggregate classification (germline): Uncertain significance (1 of 4 stars; one submission).

Conditions:
Tuberous sclerosis 2 (TSC2). Identifiers: Orphanet 805, MedGen C1860707, MONDO:0013199, OMIM 613254.

Allele frequency attached by ClinVar (database versions not stated): gnomAD exomes below 0.00001.

Submission:

Labcorp Genetics (formerly Invitae), Labcorp
Classification: Uncertain significance for Tuberous sclerosis 2. Last evaluated: 2022-10-19. Review status: criteria provided, single submitter. Criteria: Invitae Variant Classification Sherloc (09022015). Collection method: clinical testing. Allele origin: germline.
Comment: In summary, the available evidence is currently insufficient to determine the role of this variant in disease. Therefore, it has been classified as a Variant of Uncertain Significance. Algorithms developed to predict the effect of missense changes on protein structure and function (SIFT, PolyPhen-2, Align-GVGD) all suggest that this variant is likely to be tolerated. This variant has not been reported in the literature in individuals affected with TSC2-related conditions. This variant is not present in population databases (gnomAD no frequency). This sequence change replaces lysine, which is basic and polar, with arginine, which is basic and polar, at codon 1689 of the TSC2 protein (p.Lys1689Arg).